The following is an entry in ClinVar:

NM_024685.4(BBS10):c.1570_1581del (p.Thr524_Ser527del)

Gene: BBS10 (Bardet-Biedl syndrome 10; minus strand). Cytogenetic location: 12q21.2.
Variant type: Deletion.
Coding change: c.1570_1581del on transcript NM_024685.4 (MANE Select); coding-DNA positions 1570 to 1581, 12 bases deleted (ACATGTTTGTCT).
Protein change: p.Thr524_Ser527del.
Molecular consequence: inframe deletion.
Genome position (GRCh38, 1-based): chr12:76,346,404-76,346,415, AGACAAACATGT deleted on the plus strand (ACATGTTTGTCT on the coding strand, the reverse complement: BBS10 is on the minus strand). VCF-style (leftmost placement, unchanged base first): chr12-76346403-AAGACAAACATGT-A. GRCh37 (hg19) VCF-style: chr12-76740183-AAGACAAACATGT-A.
Identifiers: ClinVar variation 3349736 (VCV003349736.1).

ClinVar aggregate classification (germline): Uncertain significance (0 of 4 stars; one submission).

Conditions:
BBS10-related disorder. Also called: BBS10-related condition.

Submission:

PreventionGenetics, part of Exact Sciences
Classification: Uncertain significance for BBS10-related condition. Last evaluated: 2023-12-27. Review status: no assertion criteria provided. Collection method: clinical testing. Allele origin: germline.
Comment: The BBS10 c.1570_1581del12 variant is predicted to result in an in-frame deletion (p.Thr524_Ser527del). To our knowledge, this variant has not been reported in the literature or in a large population database, indicating this variant is rare. At this time, the clinical significance of this variant is uncertain due to the absence of conclusive functional and genetic evidence.